The following is an entry in ClinVar:

NM_031844.3(HNRNPU):c.365AGG[3] (p.Glu125del)

Gene: HNRNPU (heterogeneous nuclear ribonucleoprotein U; minus strand). Cytogenetic location: 1q44.
Variant type: Microsatellite.
Coding change: c.365AGG[3] on transcript NM_031844.3 (MANE Select); three copies in a row of the 3-base unit AGG starting at c.365; the reference has four copies in a row; one copy, 3 bases deleted.
Protein change: p.Glu125del; deletes glutamic acid 125.
Molecular consequence: inframe deletion.
Genome position (GRCh38, 1-based): chr1:244,863,932-244,863,934, CCT deleted on the plus strand (AGG on the coding strand, the reverse complement: HNRNPU is on the minus strand); deleting any 3 consecutive bases within chr1:244,863,932-244,863,945 gives the same sequence; the position shown is the placement nearest the transcript's 3' end. VCF-style (leftmost placement, unchanged base first): chr1-244863931-GCCT-G. GRCh37 (hg19) VCF-style: chr1-245027233-GCCT-G.
Other names: c.374_376delAGG (NM_031844.2); c.365AGG[3], p.Glu125del (NM_004501.3); short protein forms E125del.
Identifiers: ClinVar variation 446390 (VCV000446390.11), dbSNP rs747108904, ClinGen allele CA1486810.

ClinVar aggregate classification (germline): Conflicting classifications of pathogenicity. Review status: criteria provided, conflicting classifications (1 of 4 stars). 3 submissions from 2 submitters: Uncertain significance (2); Likely benign (1). Last evaluated 2025-12-28.

Conditions:
heterogeneous nuclear ribonucleoprotein G, human.
Developmental and epileptic encephalopathy, 54. Also called: HNRNPU-Related Neurodevelopmental Disorder; Epileptic encephalopathy, early infantile, 54. Identifiers: MedGen C4479319, MONDO:0033363, OMIM 617391.

Submissions (3):

Labcorp Genetics (formerly Invitae), Labcorp
Classification: Uncertain significance for Developmental and epileptic encephalopathy, 54. Last evaluated: 2025-12-28. Review status: criteria provided, single submitter. Criteria: Invitae Variant Classification Sherloc (09022015). Collection method: clinical testing. Allele origin: germline.
Comment: This variant, c.374_376del, results in the deletion of 1 amino acid(s) of the HNRNPU protein (p.Glu125del), but otherwise preserves the integrity of the reading frame. The frequency data for this variant in the population databases is considered unreliable, as metrics indicate poor data quality at this position in the gnomAD database. This variant has not been reported in the literature in individuals affected with HNRNPU-related conditions. ClinVar contains an entry for this variant (Variation ID: 446390). Experimental studies and prediction algorithms are not available or were not evaluated, and the functional significance of this variant is currently unknown. In summary, the available evidence is currently insufficient to determine the role of this variant in disease. Therefore, it has been classified as a Variant of Uncertain Significance.

Labcorp Genetics (formerly Invitae), Labcorp
Classification: Uncertain significance. Last evaluated: 2021-09-17. Review status: criteria provided, single submitter. Criteria: Invitae Variant Classification Sherloc (09022015). Collection method: clinical testing. Allele origin: germline.

GeneDx
Classification: Likely benign. Last evaluated: 2021-01-25. Review status: criteria provided, single submitter. Criteria: GeneDx Variant Classification Process June 2021. Collection method: clinical testing. Allele origin: germline. Affected: yes.